The following is an entry in ClinVar:

NM_001868.4(CPA1):c.277G>T (p.Val93Leu)

Gene: CPA1 (carboxypeptidase A1; plus strand). Cytogenetic location: 7q32.2.
Variant type: single nucleotide variant.
Coding change: c.277G>T on transcript NM_001868.4 (MANE Select); coding-DNA position 277, G replaced by T.
Protein change: p.Val93Leu; replaces valine 93 with leucine.
Molecular consequence: missense variant.
Genome position (GRCh38, 1-based): chr7:130,381,759, G>T. VCF-style: chr7-130381759-G-T. GRCh37 (hg19) VCF-style: chr7-130021600-G-T.
Other names: short protein forms V93L.
Identifiers: ClinVar variation 1795912 (VCV001795912.2), dbSNP rs1796407914, ClinGen allele CA369280105.

ClinVar aggregate classification (germline): Uncertain significance (1 of 4 stars; one submission).

Conditions:
Hereditary pancreatitis (PCTT). Also called: Hereditary chronic pancreatitis; PRSS1-Related Hereditary Pancreatitis. Identifiers: Orphanet 676, MedGen C0238339, MONDO:0008185, OMIM 167800.

Submission:

Ambry Genetics
Classification: Uncertain significance for Hereditary pancreatitis. Last evaluated: 2022-06-07. Review status: criteria provided, single submitter. Criteria: Ambry Variant Classification Scheme 2023. Collection method: clinical testing. Allele origin: germline.
Comment: The p.V93L variant (also known as c.277G>T), located in coding exon 3 of the CPA1 gene, results from a G to T substitution at nucleotide position 277. The valine at codon 93 is replaced by leucine, an amino acid with highly similar properties. This amino acid position is conserved. In addition, this alteration is predicted to be tolerated by in silico analysis. Since supporting evidence is limited at this time, the clinical significance of this alteration remains unclear.